The following is an entry in ClinVar:

ClinVar aggregate classification (germline): Pathogenic. Review status: criteria provided, multiple submitters, no conflicts (2 of 4 stars). 2 submissions from 2 submitters: Pathogenic (2). Last evaluated 2024-05-09.

Conditions:
Biotinidase deficiency. Also called: BTD deficiency; Late-onset biotin-responsive multiple carboxylase deficiency; Biotin deficiency. Identifiers: Orphanet 79241, MedGen C0220754, MONDO:0009665, OMIM 253260.

Submissions (2):

Myriad Genetics, Inc.
Classification: Pathogenic for Biotinidase deficiency. Last evaluated: 2024-05-09. Review status: criteria provided, single submitter. Criteria: Myriad Autosomal Dominant, Autosomal Recessive and X-Linked Classification Criteria (2023). Collection method: clinical testing. Allele origin: unknown.
Comment: NM_000060.2(BTD):c.108C>G(Y36*) is expected to be pathogenic in the context of biotinidase deficiency. This variant is predicted to lead to an abnormal or absent protein product due to the creation of a premature termination codon in BTD, a gene where loss-of-function variants are known to be pathogenic. Please note: this variant was assessed in the context of healthy population screening.

Labcorp Genetics (formerly Invitae), Labcorp
Classification: Pathogenic for Biotinidase deficiency. Last evaluated: 2021-12-30. Review status: criteria provided, single submitter. Criteria: Invitae Variant Classification Sherloc (09022015). Collection method: clinical testing. Allele origin: germline.
Comment: For these reasons, this variant has been classified as Pathogenic. Algorithms developed to predict the effect of sequence changes on RNA splicing suggest that this variant may create or strengthen a splice site. This variant has not been reported in the literature in individuals affected with BTD-related conditions. This variant is not present in population databases (gnomAD no frequency). This sequence change creates a premature translational stop signal (p.Tyr36*) in the BTD gene. It is expected to result in an absent or disrupted protein product. Loss-of-function variants in BTD are known to be pathogenic (PMID: 20083419).

Literature cited by the submitters: PubMed 20083419 (cited by Labcorp Genetics (formerly Invitae), Labcorp).

NM_001370658.1(BTD):c.48C>G (p.Tyr16Ter)

Gene: BTD (biotinidase; plus strand). Cytogenetic location: 3p25.1.
Variant type: single nucleotide variant.
Coding change: c.48C>G on transcript NM_001370658.1 (MANE Select); coding-DNA position 48, C replaced by G.
Protein change: p.Tyr16Ter; replaces tyrosine 16 with a stop codon.
Molecular consequence: nonsense.
Genome position (GRCh38, 1-based): chr3:15,635,487, C>G. VCF-style: chr3-15635487-C-G. GRCh37 (hg19) VCF-style: chr3-15676994-C-G.
Other names: c.108C>G, p.Tyr36Ter (NM_000060.4); c.48C>G, p.Tyr16Ter (NM_001281723.4, NM_001281724.3, NM_001281725.3 and 37 more transcripts); short protein forms Y36*, Y16*.
Identifiers: ClinVar variation 2066797 (VCV002066797.5), dbSNP rs201823743, ClinGen allele CA351602822.